The following is an entry in ClinVar:

NM_004168.4(SDHA):c.1664-13T>C

Gene: SDHA (succinate dehydrogenase complex flavoprotein subunit A; plus strand). Cytogenetic location: 5p15.33.
Variant type: single nucleotide variant.
Coding change: c.1664-13T>C on transcript NM_004168.4 (MANE Select); 13 bases into the intron before coding-DNA position 1664, T replaced by C.
Molecular consequence: intron variant.
Genome position (GRCh38, 1-based): chr5:251,325, T>C. VCF-style: chr5-251325-T-C. GRCh37 (hg19) VCF-style: chr5-251440-T-C.
Other names: c.1552-3068T>C (NM_001330758.2); c.1520-13T>C (NM_001294332.2).
Identifiers: ClinVar variation 392489 (VCV000392489.7), dbSNP rs1057524514, ClinGen allele CA16604891.

ClinVar aggregate classification (germline): Likely benign. Review status: criteria provided, multiple submitters, no conflicts (2 of 4 stars). 3 submissions from 3 submitters: Likely benign (3). Last evaluated 2025-12-30.

Conditions:
Mitochondrial complex II deficiency, nuclear type 1. Also called: SUCCINATE CoQ REDUCTASE DEFICIENCY. Identifiers: Orphanet 3208, MedGen C5700310, MONDO:0100294, OMIM 252011.
Pheochromocytoma/paraganglioma syndrome 5. Also called: SDHA-Related Hereditary Paraganglioma-Pheochromocytoma Syndrome; Paragangliomas 5. Identifiers: Orphanet 29072, MedGen C3279992, MONDO:0013602, OMIM 614165.

Allele frequency attached by ClinVar (database versions not stated): gnomAD exomes 0.00001; TOPMed 0.00001.

Submissions (3):

Labcorp Genetics (formerly Invitae), Labcorp
Classification: Likely benign for Pheochromocytoma/paraganglioma syndrome 5; Mitochondrial complex II deficiency, nuclear type 1. Last evaluated: 2025-12-30. Review status: criteria provided, single submitter. Criteria: Invitae Variant Classification Sherloc (09022015). Collection method: clinical testing. Allele origin: germline.

Myriad Genetics, Inc.
Classification: Likely benign for Pheochromocytoma/paraganglioma syndrome 5. Last evaluated: 2025-03-11. Review status: criteria provided, single submitter. Criteria: Myriad Autosomal Dominant, Autosomal Recessive and X-Linked Classification Criteria (2023). Collection method: clinical testing. Allele origin: unknown.
Comment: This variant is considered likely benign. This variant is intronic and is not expected to impact mRNA splicing.

GeneDx
Classification: Likely benign. Last evaluated: 2017-01-02. Review status: criteria provided, single submitter. Criteria: GeneDx Variant Classification (06012015). Collection method: clinical testing. Allele origin: germline. Affected: yes.
Comment: This variant is considered likely benign or benign based on one or more of the following criteria: it is a conservative change, it occurs at a poorly conserved position in the protein, it is predicted to be benign by multiple in silico algorithms, and/or has population frequency not consistent with disease.